The following is an entry in ClinVar:

NM_015404.4(WHRN):c.499T>G (p.Tyr167Asp)

Gene: WHRN (whirlin; minus strand). Cytogenetic location: 9q32.
Variant type: single nucleotide variant.
Coding change: c.499T>G on transcript NM_015404.4 (MANE Select); coding-DNA position 499, T replaced by G.
Protein change: p.Tyr167Asp; replaces tyrosine 167 with aspartic acid.
Molecular consequence: missense variant.
Genome position (GRCh38, 1-based): chr9:114,504,303, A>C on the plus strand (T>G on the coding strand, the complement: WHRN is on the minus strand). VCF-style: chr9-114504303-A-C. GRCh37 (hg19) VCF-style: chr9-117266583-A-C.
Other names: c.499T>G, p.Tyr167Asp (NM_001173425.2); short protein forms Y167D.
Identifiers: ClinVar variation 2092734 (VCV002092734.1), dbSNP rs1039716556, ClinGen allele CA198660250.

ClinVar aggregate classification (germline): Uncertain significance (1 of 4 stars; one submission).

Allele frequency attached by ClinVar (database versions not stated): TOPMed below 0.00001.

Submission:

Labcorp Genetics (formerly Invitae), Labcorp
Classification: Uncertain significance. Last evaluated: 2022-08-23. Review status: criteria provided, single submitter. Criteria: Invitae Variant Classification Sherloc (09022015). Collection method: clinical testing. Allele origin: germline.
Comment: This sequence change replaces tyrosine, which is neutral and polar, with aspartic acid, which is acidic and polar, at codon 167 of the WHRN protein (p.Tyr167Asp). This variant is not present in population databases (gnomAD no frequency). This variant has not been reported in the literature in individuals affected with WHRN-related conditions. Algorithms developed to predict the effect of missense changes on protein structure and function (SIFT, PolyPhen-2, Align-GVGD) all suggest that this variant is likely to be disruptive. In summary, the available evidence is currently insufficient to determine the role of this variant in disease. Therefore, it has been classified as a Variant of Uncertain Significance.